The following is an entry in ClinVar:

NM_005445.4(SMC3):c.2002TAT[1] (p.Tyr669del)

Gene: SMC3 (structural maintenance of chromosomes 3; plus strand). Cytogenetic location: 10q25.2.
Variant type: Microsatellite.
Coding change: c.2002TAT[1] on transcript NM_005445.4 (MANE Select); one copy of the 3-base unit TAT starting at c.2002; the reference has two copies in a row; one copy, 3 bases deleted.
Protein change: p.Tyr669del; deletes tyrosine 669.
Molecular consequence: inframe deletion.
Genome position (GRCh38, 1-based): chr10:110,596,439-110,596,441, TAT deleted; deleting any 3 consecutive bases within chr10:110,596,435-110,596,441 gives the same sequence; the position shown is the placement nearest the transcript's 3' end. VCF-style (leftmost placement, unchanged base first): chr10-110596434-GTTA-G. GRCh37 (hg19) VCF-style: chr10-112356192-GTTA-G.
Other names: short protein forms Y669del.
Identifiers: ClinVar variation 1098399 (VCV001098399.2), dbSNP rs2134745289, ClinGen allele CA2580616869.

ClinVar aggregate classification (germline): Likely pathogenic (1 of 4 stars; one submission).

Submission:

Genetics Laboratory, UDIAT-Centre Diagnòstic, Hospital Universitari Parc Tauli
Classification: Likely pathogenic. Last evaluated: 2021-04-26. Review status: criteria provided, single submitter. Criteria: Parc Tauli Hospital Assertion Criteria 2021. Collection method: clinical testing. Allele origin: de novo. Inheritance: Autosomal dominant inheritance. Affected: yes. Observed: 1 heterozygote.
Comment: PM2_supporting;PM4_moderate;PM6_moderate;PP3_supporting